The following is an entry in ClinVar:

ClinVar aggregate classification (germline): Likely benign. Review status: criteria provided, multiple submitters, no conflicts (2 of 4 stars). 2 submissions from 2 submitters: Likely benign (2). Last evaluated 2023-08-24.

Allele frequency attached by ClinVar (database versions not stated): gnomAD exomes 0.00001; ExAC 0.00002.
gnomAD v4.1: 3 of 1,612,794 alleles (0.00019%); highest among the groups gnomAD compares: South Asian, 0.0033%; no homozygotes.

Submissions (2):

Labcorp Genetics (formerly Invitae), Labcorp
Classification: Likely benign. Last evaluated: 2023-08-24. Review status: criteria provided, single submitter. Criteria: Invitae Variant Classification Sherloc (09022015). Collection method: clinical testing. Allele origin: germline.

Laboratory for Molecular Medicine, Mass General Brigham Personalized Medicine
Classification: Likely benign. Last evaluated: 2016-04-07. Review status: criteria provided, single submitter. Criteria: LMM Criteria. Collection method: clinical testing. Allele origin: germline. Observed: 1 variant allele.
Comment: c.2092-6T>C in intron 17 of PCDH15: This variant is not expected to have clinica l significance because a T>C change at this position does not diverge from the s plice consensus sequence and is therefore unlikely to impact splicing. It has be en identified in 2/16482 South Asian chromosomes by the Exome Aggregation Consor tium (ExAC; dbSNP rs780684363).

NM_001384140.1(PCDH15):c.2092-6T>C

Gene: PCDH15 (protocadherin related 15; minus strand). Cytogenetic location: 10q21.1.
Variant type: single nucleotide variant.
Coding change: c.2092-6T>C on transcript NM_001384140.1 (MANE Select); 6 bases into the intron before coding-DNA position 2092, T replaced by C.
Molecular consequence: intron variant.
Genome position (GRCh38, 1-based): chr10:54,066,891, A>G on the plus strand (T>C on the coding strand, the complement: PCDH15 is on the minus strand). VCF-style: chr10-54066891-A-G. GRCh37 (hg19) VCF-style: chr10-55826651-A-G.
Other names: c.2092-6T>C (NM_001354420.2, NM_001354429.2, NM_001142772.2 and 5 more transcripts); c.2107-6T>C (NM_001142771.2, NM_001142763.2); c.2113-6T>C (NM_001354411.2); c.2128-6T>C (NM_001142769.3); c.2026-6T>C (NM_001354404.2, NM_001142773.2, NM_001142768.2); c.1981-6T>C (NM_001142767.2); c.1879-6T>C (NM_001142765.2).
Identifiers: ClinVar variation 227838 (VCV000227838.8), dbSNP rs780684363, ClinGen allele CA5506118.